The following is an entry in ClinVar:

ClinVar aggregate classification (germline): Uncertain significance. Review status: criteria provided, multiple submitters, no conflicts (2 of 4 stars). 4 submissions from 4 submitters: Uncertain significance (4). Last evaluated 2025-10-18.

Conditions:
Hypercholesterolemia, autosomal dominant, type B (FHCL2). Also called: Familial Hypercholesterolemia Type B; HYPERCHOLESTEROLEMIA, FAMILIAL, DUE TO LIGAND-DEFECTIVE APOLIPOPROTEIN B; Familial hypercholesterolemia 2; APOB-Related Familial Hypercholesterolemia, Autosomal Dominant; APOLIPOPROTEIN B-100, FAMILIAL DEFECTIVE; APOLIPOPROTEIN B-100, FAMILIAL LIGAND-DEFECTIVE. Identifiers: MedGen C1704417, MONDO:0007751, OMIM 144010.
Cardiovascular phenotype. Identifiers: MedGen CN230736.
Familial hypobetalipoproteinemia 1. Also called: Hypobetalipoproteinemia, normotriglyceridemic; Acanthocytosis with hypobetalipoproteinemia; APOB-Related Familial Hypobetalipoproteinemia. Identifiers: MedGen C4551990, MONDO:0014252, OMIM 615558.

Allele frequency attached by ClinVar (database versions not stated): gnomAD exomes below 0.00001.
gnomAD v4.1: 7 of 1,613,652 alleles (0.00043%); highest among the groups gnomAD compares: Non-Finnish European, 0.00042%; no homozygotes.

Submissions (4):

Ambry Genetics
Classification: Uncertain significance for Cardiovascular phenotype. Last evaluated: 2025-10-18. Review status: criteria provided, single submitter. Criteria: Ambry Variant Classification Scheme 2023. Collection method: clinical testing. Allele origin: germline.

Labcorp Genetics (formerly Invitae), Labcorp
Classification: Uncertain significance for Familial hypobetalipoproteinemia 1; Hypercholesterolemia, autosomal dominant, type B. Last evaluated: 2024-10-06. Review status: criteria provided, single submitter. Criteria: Invitae Variant Classification Sherloc (09022015). Collection method: clinical testing. Allele origin: germline.
Comment: This sequence change replaces alanine, which is neutral and non-polar, with aspartic acid, which is acidic and polar, at codon 552 of the APOB protein (p.Ala552Asp). This variant is present in population databases (rs765746519, gnomAD 0.0009%). This variant has not been reported in the literature in individuals affected with APOB-related conditions. ClinVar contains an entry for this variant (Variation ID: 926981). Invitae Evidence Modeling of protein sequence and biophysical properties (such as structural, functional, and spatial information, amino acid conservation, physicochemical variation, residue mobility, and thermodynamic stability) indicates that this missense variant is not expected to disrupt APOB protein function with a negative predictive value of 95%. In summary, the available evidence is currently insufficient to determine the role of this variant in disease. Therefore, it has been classified as a Variant of Uncertain Significance.

Quest Diagnostics Nichols Institute San Juan Capistrano
Classification: Uncertain significance. Last evaluated: 2023-05-23. Review status: criteria provided, single submitter. Criteria: Quest Diagnostics criteria. Collection method: clinical testing. Allele origin: unknown.
Comment: To the best of our knowledge, this variant has not been reported in individuals with APOB-related conditions in the published literature. It also has not been reported in large, multi-ethnic general populations (Genome Aggregation Database).. Analysis of this variant using bioinformatics tools for the prediction of the effect of amino acid changes on protein structure and function yielded predictions that this variant is benign. Based on the available information, we are unable to determine the clinical significance of this variant.

Institute of Human Genetics, University of Leipzig Medical Center
Classification: Uncertain significance for Hypercholesterolemia, autosomal dominant, type B. Last evaluated: 2022-01-04. Review status: criteria provided, single submitter. Criteria: ACMG Guidelines, 2015. Collection method: clinical testing. Allele origin: unknown. Affected: yes.
Comment: _x000D_ Criteria applied: PM2_SUP

NM_000384.3(APOB):c.1655C>A (p.Ala552Asp)

Gene: APOB (apolipoprotein B; minus strand). Cytogenetic location: 2p24.1.
Variant type: single nucleotide variant.
Coding change: c.1655C>A on transcript NM_000384.3 (MANE Select); coding-DNA position 1655, C replaced by A.
Protein change: p.Ala552Asp; replaces alanine 552 with aspartic acid.
Molecular consequence: missense variant.
Genome position (GRCh38, 1-based): chr2:21,028,501, G>T on the plus strand (C>A on the coding strand, the complement: APOB is on the minus strand). VCF-style: chr2-21028501-G-T. GRCh37 (hg19) VCF-style: chr2-21251373-G-T.
Other names: short protein forms A552D.
Identifiers: ClinVar variation 926981 (VCV000926981.13), dbSNP rs765746519, ClinGen allele CA43524388.